The following is an entry in ClinVar:

ClinVar aggregate classification (germline): Benign. Review status: criteria provided, multiple submitters, no conflicts (2 of 4 stars). 3 submissions from 3 submitters: Benign (2). 1 of the submissions does not count toward it. Last evaluated 2025-07-27.

Conditions:
KDM6A-related disorder. Also called: KDM6A-related condition.
Kabuki syndrome 2 (KABUK2). Also called: KDM6A-Related Kabuki Syndrome. Identifiers: Orphanet 2322, MedGen C3275495, MONDO:0010465, OMIM 300867.

Allele frequency attached by ClinVar (database versions not stated): gnomAD exomes 0.00022 and 0.00011; gnomAD 0.00005; ExAC 0.00020; TOPMed 0.00020.
gnomAD v4.1: 127 of 1,209,373 alleles (0.011%); highest among the groups gnomAD compares: East Asian, 0.31%; no homozygotes.

Submissions (3):

Labcorp Genetics (formerly Invitae), Labcorp
Classification: Benign for Kabuki syndrome 2. Last evaluated: 2025-07-27. Review status: criteria provided, single submitter. Criteria: Invitae Variant Classification Sherloc (09022015). Collection method: clinical testing. Allele origin: germline.

GeneDx
Classification: Benign. Last evaluated: 2020-03-28. Review status: criteria provided, single submitter. Criteria: GeneDx Variant Classification Process June 2021. Collection method: clinical testing. Allele origin: germline. Affected: yes.

PreventionGenetics, part of Exact Sciences
Classification: Likely benign for KDM6A-related condition. Last evaluated: 2019-05-28. Review status: no assertion criteria provided. Collection method: clinical testing. Allele origin: germline. Not counted in ClinVar's aggregate classification.
Comment: This variant is classified as likely benign based on ACMG/AMP sequence variant interpretation guidelines (Richards et al. 2015 PMID: 25741868, with internal and published modifications).

NM_001291415.2(KDM6A):c.2329T>C (p.Leu777=)

Gene: KDM6A (lysine demethylase 6A; plus strand). Cytogenetic location: Xp11.3.
Variant type: single nucleotide variant.
Coding change: c.2329T>C on transcript NM_001291415.2 (MANE Select); coding-DNA position 2329, T replaced by C.
Protein change: p.Leu777=; no amino-acid change (leucine 777 retained).
Molecular consequence: synonymous variant. On other transcripts: non-coding transcript variant (1).
Genome position (GRCh38, 1-based): chrX:45,069,828, T>C. VCF-style: chrX-45069828-T-C. GRCh37 (hg19) VCF-style: chrX-44929073-T-C.
Other names: c.2194T>C, p.Leu732= (NM_001291416.2); c.2038T>C, p.Leu680= (NM_001291417.2); c.1936T>C, p.Leu646= (NM_001291418.2); c.1285T>C, p.Leu429= (NM_001291421.2); c.2173T>C, p.Leu725= (NM_021140.4); c.2173T>C (NM_021140.3).
Identifiers: ClinVar variation 1286107 (VCV001286107.12), dbSNP rs757380047, ClinGen allele CA10392493.
Genomic context (GRCh38, chrX:45,069,828, plus strand): 5'-ACCTCAGGTGGACAACAAGGCATTACCTTAACCAAAGAGAGCAAGCCTTCAGGAAACATA[T>C]TGACGGTGCCTGAAACAAGCAGGCACACTGGAGAGACACCTAACAGCACTGCCAGTGTCG-3'
Protein context (NP_001278344.1, residues 767-787): TKESKPSGNI[Leu777=]TVPETSRHTG